The following is an entry in ClinVar:

ClinVar aggregate classification (germline): Benign. Review status: criteria provided, multiple submitters, no conflicts (2 of 4 stars). 2 submissions from 2 submitters: Benign (2). Last evaluated 2023-11-12.

Submissions (2):

Unidad de Genómica Garrahan, Hospital de Pediatría Garrahan
Classification: Benign. Last evaluated: 2023-11-12. Review status: criteria provided, single submitter. Criteria: ACMG Guidelines, 2015. Collection method: clinical testing. Allele origin: germline. Affected: no. Observed: 49 variant alleles.
Comment: This variant is classified as Benign based on local population frequency. This variant was detected in 51% of patients studied by a panel of primary immunodeficiencies. Number of patients: 49. Only high quality variants are reported.

GeneDx
Classification: Benign. Last evaluated: 2021-05-13. Review status: criteria provided, single submitter. Criteria: GeneDx Variant Classification Process June 2021. Collection method: clinical testing. Allele origin: germline. Affected: yes.

NM_144687.4(NLRP12):c.2244-73_2244-72dup

Gene: NLRP12 (NLR family pyrin domain containing 12; minus strand). Cytogenetic location: 19q13.42.
Variant type: Duplication.
Coding change: c.2244-73_2244-72dup on transcript NM_144687.4 (MANE Select); 73 bases into the intron before coding-DNA position 2244 through 72 bases into the intron before coding-DNA position 2244, 2 bases duplicated (AA; older notation c.2244-73_2244-72dupAA).
Molecular consequence: intron variant.
Genome position (GRCh38, 1-based): chr19:53,805,522-53,805,523, TT duplicated on the plus strand (AA on the coding strand, the reverse complement: NLRP12 is on the minus strand); duplicating any 2 consecutive bases within chr19:53,805,522-53,805,535 gives the same sequence; the c. name uses the placement nearest the transcript's 3' end. VCF-style (leftmost placement, unchanged base first): chr19-53805521-C-CTT. GRCh37 (hg19) VCF-style: chr19-54308775-C-CTT.
Other names: c.2244-73_2244-72dup (NM_001277129.1); c.2247-73_2247-72dup (NM_001277126.2).
Identifiers: ClinVar variation 1283450 (VCV001283450.3), dbSNP rs34166148, ClinGen allele CA310065852.